The following is an entry in ClinVar:

ClinVar aggregate classification (germline): Likely benign (0 of 4 stars; one submission).

Conditions:
PLXNA3-related disorder. Also called: PLXNA3-related condition.

gnomAD v4.1: 53 of 1,207,328 alleles (0.0044%); highest among the groups gnomAD compares: South Asian, 0.021%; 1 homozygote.

Submission:

PreventionGenetics, part of Exact Sciences
Classification: Likely benign for PLXNA3-related condition. Last evaluated: 2024-04-18. Review status: no assertion criteria provided. Collection method: clinical testing. Allele origin: germline.
Comment: This variant is classified as likely benign based on ACMG/AMP sequence variant interpretation guidelines (Richards et al. 2015 PMID: 25741868, with internal and published modifications).

NM_017514.5(PLXNA3):c.3711C>T (p.Ala1237=)

Gene: PLXNA3 (plexin A3; plus strand). Cytogenetic location: Xq28.
Variant type: single nucleotide variant.
Coding change: c.3711C>T on transcript NM_017514.5 (MANE Select); coding-DNA position 3711, C replaced by T.
Protein change: p.Ala1237=; no amino-acid change (alanine 1237 retained).
Molecular consequence: synonymous variant.
Genome position (GRCh38, 1-based): chrX:154,467,892, C>T. VCF-style: chrX-154467892-C-T. GRCh37 (hg19) VCF-style: chrX-153696235-C-T.
Identifiers: ClinVar variation 3352453 (VCV003352453.1).